The following is an entry in ClinVar:

ClinVar aggregate classification (germline): Pathogenic (1 of 4 stars; one submission).

Submission:

Labcorp Genetics (formerly Invitae), Labcorp
Classification: Pathogenic. Last evaluated: 2022-08-05. Review status: criteria provided, single submitter. Criteria: Invitae Variant Classification Sherloc (09022015). Collection method: clinical testing. Allele origin: germline.
Comment: This premature translational stop signal has been observed in individual(s) with autosomal recessive dystrophic epidermolysis bullosa (PMID: 16971478, 26076072). This variant is not present in population databases (gnomAD no frequency). This sequence change creates a premature translational stop signal (p.Ser2104Trpfs*12) in the COL7A1 gene. It is expected to result in an absent or disrupted protein product. Loss-of-function variants in COL7A1 are known to be pathogenic (PMID: 16971478). For these reasons, this variant has been classified as Pathogenic.

Literature cited by the submitters: PubMed 16971478; PubMed 26076072.

NM_000094.4(COL7A1):c.6311_6312del (p.Ser2104fs)

Gene: COL7A1 (collagen type VII alpha 1 chain; minus strand). Cytogenetic location: 3p21.31.
Variant type: Microsatellite.
Coding change: c.6311_6312del on transcript NM_000094.4 (MANE Select); coding-DNA positions 6311 to 6312, 2 bases deleted (CT; older notation c.6311_6312delCT).
Protein change: p.Ser2104fs; shifts the reading frame from serine 2104.
Molecular consequence: frameshift variant.
Genome position (GRCh38, 1-based): chr3:48,574,833-48,574,834, AG deleted on the plus strand (CT on the coding strand, the reverse complement: COL7A1 is on the minus strand); deleting any 2 consecutive bases within chr3:48,574,833-48,574,838 gives the same sequence; the c. name uses the placement nearest the transcript's 3' end. VCF-style (leftmost placement, unchanged base first): chr3-48574832-CAG-C. GRCh37 (hg19) VCF-style: chr3-48612265-CAG-C.
Other names: short protein forms S2104fs.
Identifiers: ClinVar variation 2203364 (VCV002203364.4), dbSNP rs2530955325, ClinGen allele CA2580614231.
Genomic context (GRCh38, chr3:48,574,832, plus strand): 5'-CCCCGAGCTGATTCCACACACTGACCTTAGCACCCTTGAGTCCAGGGGGTCCCTGTTCTC[CAG>C]AGAGTCCAGGACCTGGCTCATCCACAGACACCTACAAACACAAGGTCACAGGGGAGAGAT-3'